The following is an entry in ClinVar:

NM_003673.4(TCAP):c.341A>G (p.Gln114Arg)

Gene: TCAP (titin-cap; plus strand). Cytogenetic location: 17q12.
Variant type: single nucleotide variant.
Coding change: c.341A>G on transcript NM_003673.4 (MANE Select); coding-DNA position 341, A replaced by G.
Protein change: p.Gln114Arg; replaces glutamine 114 with arginine.
Molecular consequence: missense variant.
Genome position (GRCh38, 1-based): chr17:39,665,946, A>G. VCF-style: chr17-39665946-A-G. GRCh37 (hg19) VCF-style: chr17-37822199-A-G.
Other names: short protein forms Q114R.
Identifiers: ClinVar variation 808258 (VCV000808258.47), dbSNP rs1355624192, ClinGen allele CA399305254.

ClinVar aggregate classification (germline): Conflicting classifications of pathogenicity. Review status: criteria provided, conflicting classifications (1 of 4 stars). 5 submissions from 5 submitters: Uncertain significance (4); Likely benign (1). Last evaluated 2026-04-01.

Conditions:
Cardiovascular phenotype. Identifiers: MedGen CN230736.
Primary familial hypertrophic cardiomyopathy (HCM). Identifiers: Orphanet 99739, MedGen C0949658, MeSH D024741, MONDO:0024573. Inheritance: Various modes of inheritance.
Hypertrophic cardiomyopathy 25 (CMH25). Also called: CARDIOMYOPATHY, FAMILIAL HYPERTROPHIC, 25. Identifiers: MedGen C4225408, MONDO:0011843, OMIM 607487.
Autosomal recessive limb-girdle muscular dystrophy type 2G (LGMDR7). Also called: Telethoninopathy; MUSCULAR DYSTROPHY, LIMB-GIRDLE, AUTOSOMAL RECESSIVE 7; Limb-girdle muscular dystrophy, type 2G. Identifiers: Orphanet 34514, MedGen C1866008, MONDO:0011170, OMIM 601954.

Allele frequency attached by ClinVar (database versions not stated): gnomAD exomes below 0.00001; TOPMed below 0.00001.

Submissions (5):

CeGaT Center for Human Genetics Tuebingen
Classification: Uncertain significance. Last evaluated: 2026-04-01. Review status: criteria provided, single submitter. Criteria: CeGaT Center For Human Genetics Tuebingen Variant Classification Criteria Version 2. Collection method: clinical testing. Allele origin: germline. Affected: yes. Observed: 2 variant alleles.
Comment: TCAP: PM2, BP4

Labcorp Genetics (formerly Invitae), Labcorp
Classification: Uncertain significance for Hypertrophic cardiomyopathy 25; Primary familial hypertrophic cardiomyopathy. Last evaluated: 2025-02-11. Review status: criteria provided, single submitter. Criteria: Invitae Variant Classification Sherloc (09022015). Collection method: clinical testing. Allele origin: germline.
Comment: This sequence change replaces glutamine, which is neutral and polar, with arginine, which is basic and polar, at codon 114 of the TCAP protein (p.Gln114Arg). This variant is present in population databases (no rsID available, gnomAD 0.0009%). This variant has not been reported in the literature in individuals affected with TCAP-related conditions. ClinVar contains an entry for this variant (Variation ID: 808258). An algorithm developed to predict the effect of missense changes on protein structure and function outputs the following: PolyPhen-2: "Benign". The arginine amino acid residue is found in multiple mammalian species, which suggests that this missense change does not adversely affect protein function. In summary, the available evidence is currently insufficient to determine the role of this variant in disease. Therefore, it has been classified as a Variant of Uncertain Significance.

Ambry Genetics
Classification: Likely benign for Cardiovascular phenotype. Last evaluated: 2024-05-19. Review status: criteria provided, single submitter. Criteria: Ambry Variant Classification Scheme 2023. Collection method: clinical testing. Allele origin: germline.

Women's Health and Genetics/Laboratory Corporation of America, LabCorp
Classification: Uncertain significance. Last evaluated: 2022-04-05. Review status: criteria provided, single submitter. Criteria: LabCorp Variant Classification Summary - May 2015. Collection method: clinical testing. Allele origin: germline.

Fulgent Genetics
Classification: Uncertain significance for Autosomal recessive limb-girdle muscular dystrophy type 2G; Hypertrophic cardiomyopathy 25. Last evaluated: 2021-07-09. Review status: criteria provided, single submitter. Criteria: ACMG Guidelines, 2015. Collection method: clinical testing. Allele origin: unknown.